The following is an entry in ClinVar:

ClinVar aggregate classification (germline): Pathogenic/Likely pathogenic. Review status: criteria provided, multiple submitters, no conflicts (2 of 4 stars). 5 submissions from 5 submitters: Pathogenic (2); Likely pathogenic (1). 2 of the submissions do not count toward it. Last evaluated 2025-12-12.

Conditions:
GTP cyclohydrolase I deficiency. Identifiers: MedGen C0268467, MONDO:0100184.
Dystonia 5 (DRD). Also called: GTP Cyclohydrolase 1-Deficient Dopa-Responsive Dystonia; DYT-GCH1; DYSTONIA, PROGRESSIVE, WITH DIURNAL VARIATION; DYSTONIA-PARKINSONISM WITH DIURNAL FLUCTUATION; Dystonia, DOPA-responsive, with or without hyperphenylalaninemia. Identifiers: Orphanet 98808, MedGen C1851920, MONDO:0007495, OMIM 128230.

Allele frequency attached by ClinVar (database versions not stated): gnomAD 0.00001.

Submissions (5):

Labcorp Genetics (formerly Invitae), Labcorp
Classification: Pathogenic for GTP cyclohydrolase I deficiency; Dystonia 5. Last evaluated: 2025-12-12. Review status: criteria provided, single submitter. Criteria: Invitae Variant Classification Sherloc (09022015). Collection method: clinical testing. Allele origin: germline.
Comment: This sequence change falls in intron 5 of the GCH1 gene. It does not directly change the encoded amino acid sequence of the GCH1 protein. It affects a nucleotide within the consensus splice site. This variant is present in population databases (no rsID available, gnomAD 0.01%). This variant has been observed in individuals with dopa-responsive dystonia (PMID: 11113234, 18752196). It has also been observed to segregate with disease in related individuals. This variant is also known as Intron 5 ins t(+3) and IVS5+3insT. ClinVar contains an entry for this variant (Variation ID: 996113). Variants that disrupt the consensus splice site are a relatively common cause of aberrant splicing (PMID: 17576681, 9536098). Algorithms developed to predict the effect of sequence changes on RNA splicing suggest that this variant may disrupt the consensus splice site. For these reasons, this variant has been classified as Pathogenic.

GeneDx
Classification: Pathogenic. Last evaluated: 2025-08-07. Review status: criteria provided, single submitter. Criteria: GeneDx Variant Classification Process June 2021. Collection method: clinical testing. Allele origin: germline.
Comment: Canonical splice site variant predicted to result in a null allele in a gene for which loss of function is a known mechanism of disease (PMID: 29948246); This variant is associated with the following publications: (PMID: 34234304, 11113234, 18752196, 29948246, 19491146, 9749603, 17101830)

Athena Diagnostics
Classification: Likely pathogenic. Last evaluated: 2022-05-19. Review status: criteria provided, single submitter. Criteria: Athena Diagnostics Criteria. Collection method: clinical testing. Allele origin: unknown.
Comment: The frequency of this variant in the general population is consistent with pathogenicity. This variant has been identified heterozygous in at least one individual with dopa-responsive dystonia and appears to be associated with dominant disease in at least one family. Assessment of experimental evidence suggests this variant results in abnormal RNA splicing. Studies show this variant will result in premature termination of the protein (PMID: 29948246). This variant is also referred to as IVS5+3insT or c.626+1_2insT in published literature.

Clinical Genetics Laboratory, University Hospital Schleswig-Holstein
Classification: Pathogenic for Dystonia 5. Last evaluated: 2024-01-04. Review status: no assertion criteria provided. Collection method: clinical testing. Allele origin: germline. Affected: yes. Not counted in ClinVar's aggregate classification.

Department of Medical Laboratory, Affiliated Hospital of Southwest Medical University
Classification: Pathogenic for Dystonia 5. Review status: no assertion criteria provided. Collection method: clinical testing. Allele origin: maternal. Inheritance: Autosomal dominant inheritance with maternal imprinting. Affected: yes. Observed: 2 variant alleles, 2 heterozygotes. Not counted in ClinVar's aggregate classification.

Literature cited by the submitters: PubMed 11113234 (cited by Labcorp Genetics (formerly Invitae), Labcorp and Athena Diagnostics); PubMed 18752196 (cited by Labcorp Genetics (formerly Invitae), Labcorp and Athena Diagnostics); PubMed 17576681 (cited by Labcorp Genetics (formerly Invitae), Labcorp); PubMed 9536098 (cited by Labcorp Genetics (formerly Invitae), Labcorp); PubMed 29948246 (cited by Athena Diagnostics).

NM_000161.3(GCH1):c.626+2dup

Gene: GCH1 (GTP cyclohydrolase 1; minus strand). Cytogenetic location: 14q22.2.
Variant type: Duplication.
Coding change: c.626+2dup on transcript NM_000161.3 (MANE Select); the canonical splice donor site of the intron after coding-DNA position 626, one base duplicated (T; older notation c.626+2dupT).
Molecular consequence: splice donor variant.
Genome position (GRCh38, 1-based): chr14:54,845,766, A duplicated on the plus strand (T on the coding strand, the reverse complement: GCH1 is on the minus strand). VCF-style (leftmost placement, unchanged base first): chr14-54845765-T-TA. GRCh37 (hg19) VCF-style: chr14-55312483-T-TA.
Other names: c.626+2dup (NM_001024071.2, NM_001024070.2, NM_001024024.2); c.626+2_626+3insT (NM_000161.3).
Identifiers: ClinVar variation 996113 (VCV000996113.12), dbSNP rs1474519447, ClinGen allele CA614284131.
Genomic context (GRCh38, chr14:54,845,765, plus strand): 5'-CTAAATAGCAAGATCACTTCTAGTGCACCATTATGACGTTACTAAAGGCAGATGCAGACT[T>TA]ACGTTGCTTCAACCACTACCCCGACTCCAGCAGGCCGCAAGGCTTCCGTGATTGCTACAG-3'